The following is an entry in ClinVar:

ClinVar aggregate classification (germline): Conflicting classifications of pathogenicity. Review status: criteria provided, conflicting classifications (1 of 4 stars). 6 submissions from 6 submitters: Uncertain significance (5); Likely benign (1). Last evaluated 2025-06-08.

Conditions:
Ataxia - intellectual disability - oculomotor apraxia - cerebellar cysts syndrome. Also called: Poretti-Boltshauser syndrome. Identifiers: Orphanet 370022, MedGen C4014821, MONDO:0014419, OMIM 615960.

Allele frequency attached by ClinVar (database versions not stated): gnomAD exomes 0.00006; ExAC 0.00021; TOPMed 0.00036; gnomAD 0.00039 and 0.00041; ESP Exome Variant Server 0.00054; 1000 Genomes Project 30x 0.00125; 1000 Genomes Project 0.00140.
gnomAD v4.1: 165 of 1,610,298 alleles (0.01%); highest among the groups gnomAD compares: African/African-American, 0.14%; 2 homozygotes.

Submissions (6):

Labcorp Genetics (formerly Invitae), Labcorp
Classification: Uncertain significance. Last evaluated: 2025-06-08. Review status: criteria provided, single submitter. Criteria: Invitae Variant Classification Sherloc (09022015). Collection method: clinical testing. Allele origin: germline.
Comment: This sequence change falls in intron 25 of the LAMA1 gene. It does not directly change the encoded amino acid sequence of the LAMA1 protein. It affects a nucleotide within the consensus splice site. This variant is present in population databases (rs7226848, gnomAD 0.1%). This variant has not been reported in the literature in individuals affected with LAMA1-related conditions. ClinVar contains an entry for this variant (Variation ID: 1030932). Variants that disrupt the consensus splice site are a relatively common cause of aberrant splicing (PMID: 17576681, 9536098). Algorithms developed to predict the effect of sequence changes on RNA splicing suggest that this variant is not likely to affect RNA splicing. In summary, the available evidence is currently insufficient to determine the role of this variant in disease. Therefore, it has been classified as a Variant of Uncertain Significance.

Women's Health and Genetics/Laboratory Corporation of America, LabCorp
Classification: Uncertain significance. Last evaluated: 2025-04-11. Review status: criteria provided, single submitter. Criteria: LabCorp Variant Classification Summary - May 2015. Collection method: clinical testing. Allele origin: germline.
Comment: Variant summary: LAMA1 c.3687+4A>C alters a nucleotide located close to a canonical splice site and therefore could affect mRNA splicing, leading to a significantly altered protein sequence. Consensus agreement among computation tools predict no significant impact on normal splicing. However, these predictions have yet to be confirmed by functional studies. The variant allele was found at a frequency of 0.00013 in 240260 control chromosomes (gnomAD). This frequency is not significantly higher than estimated for a pathogenic variant in LAMA1 causing Ataxia-Intellectual Disability-Oculomotor Apraxia-Cerebellar Cysts Syndrome, allowing no conclusion about variant significance. To our knowledge, no occurrence of c.3687+4A>C in individuals affected with Ataxia-Intellectual Disability-Oculomotor Apraxia-Cerebellar Cysts Syndrome and no experimental evidence demonstrating its impact on protein function have been reported. ClinVar contains an entry for this variant (Variation ID: 1030932). Based on the evidence outlined above, the variant was classified as uncertain significance.

Blueprint Genetics
Classification: Likely benign. Last evaluated: 2024-07-22. Review status: criteria provided, single submitter. Criteria: ACMG Guidelines, 2015. Collection method: clinical testing. Allele origin: germline.

Revvity Omics, Revvity
Classification: Uncertain significance for Ataxia - intellectual disability - oculomotor apraxia - cerebellar cysts syndrome. Last evaluated: 2023-04-21. Review status: criteria provided, single submitter. Criteria: ACMG Guidelines, 2015. Collection method: clinical testing. Allele origin: germline.

Baylor Genetics
Classification: Uncertain significance for Ataxia - intellectual disability - oculomotor apraxia - cerebellar cysts syndrome. Last evaluated: 2020-06-09. Review status: criteria provided, single submitter. Criteria: ACMG Guidelines, 2015. Collection method: clinical testing. Allele origin: unknown. Affected: yes.
Comment: This variant was determined to be of uncertain significance according to ACMG Guidelines, 2015 [PMID:25741868].

Breakthrough Genomics
Classification: Uncertain significance. Review status: criteria provided, single submitter. Criteria: ACMG Guidelines, 2015. Collection method: not provided. Allele origin: germline. Inheritance: Autosomal recessive inheritance. Affected: yes.

Literature cited by the submitters: PubMed 17576681 (cited by Labcorp Genetics (formerly Invitae), Labcorp); PubMed 9536098 (cited by Labcorp Genetics (formerly Invitae), Labcorp).

NM_005559.4(LAMA1):c.3687+4A>C

Gene: LAMA1 (laminin subunit alpha 1; minus strand). Cytogenetic location: 18p11.31.
Variant type: single nucleotide variant.
Coding change: c.3687+4A>C on transcript NM_005559.4 (MANE Select); 4 bases into the intron after coding-DNA position 3687, A replaced by C.
Molecular consequence: intron variant.
Genome position (GRCh38, 1-based): chr18:7,011,296, T>G on the plus strand (A>C on the coding strand, the complement: LAMA1 is on the minus strand). VCF-style: chr18-7011296-T-G. GRCh37 (hg19) VCF-style: chr18-7011295-T-G.
Identifiers: ClinVar variation 1030932 (VCV001030932.11), dbSNP rs7226848, ClinGen allele CA8882192.